The following is an entry in ClinVar:

NM_053025.4(MYLK):c.5368G>A (p.Glu1790Lys)

Genes: MYLK-AS1 (MYLK antisense RNA 1; plus strand), MYLK (myosin light chain kinase; minus strand). Cytogenetic location: 3q21.1.
Variant type: single nucleotide variant.
Coding change: c.5368G>A on transcript NM_053025.4 (MANE Select); coding-DNA position 5368, G replaced by A.
Protein change: p.Glu1790Lys; replaces glutamic acid 1790 with lysine.
Molecular consequence: missense variant.
Genome position (GRCh38, 1-based): chr3:123,620,207, C>T on the plus strand (G>A on the coding strand, the complement: MYLK is on the minus strand). VCF-style: chr3-123620207-C-T. GRCh37 (hg19) VCF-style: chr3-123339054-C-T.
Other names: c.4840G>A, p.Glu1614Lys (NM_001321309.2); c.5161G>A, p.Glu1721Lys (NM_053026.4); c.5215G>A, p.Glu1739Lys (NM_053027.4); c.5008G>A, p.Glu1670Lys (NM_053028.4); c.88G>A, p.Asp30Asn (NM_053031.4); c.88G>A, p.Glu30Lys (NM_053032.4); c.5368G>A (NM_053025.3); short protein forms E30K, E1721K, E1790K, D30N, E1614K, E1739K, E1670K.
Identifiers: ClinVar variation 2067376 (VCV002067376.5), dbSNP rs551204823, ClinGen allele CA82940762.

ClinVar aggregate classification (germline): Uncertain significance. Review status: criteria provided, multiple submitters, no conflicts (2 of 4 stars). 2 submissions from 2 submitters: Uncertain significance (2). Last evaluated 2023-03-20.

Conditions:
Familial thoracic aortic aneurysm and aortic dissection (TAAD). Also called: Thoracic aortic aneurysms and dissections. Identifiers: Orphanet 91387, MedGen C4707243, MONDO:0019625.
Aortic aneurysm, familial thoracic 7 (AAT7). Also called: AORTIC DISSECTION, FAMILIAL, WITH OR WITHOUT AORTIC ANEURYSM. Identifiers: MedGen C3151077, MONDO:0013418, OMIM 613780.

Allele frequency attached by ClinVar (database versions not stated): gnomAD exomes below 0.00001; gnomAD 0.00001; 1000 Genomes Project 30x 0.00031; 1000 Genomes Project 0.00040.
gnomAD v4.1: 7 of 1,613,808 alleles (0.00043%); highest among the groups gnomAD compares: East Asian, 0.013%; no homozygotes.

Submissions (2):

Labcorp Genetics (formerly Invitae), Labcorp
Classification: Uncertain significance for Aortic aneurysm, familial thoracic 7. Last evaluated: 2023-03-20. Review status: criteria provided, single submitter. Criteria: Invitae Variant Classification Sherloc (09022015). Collection method: clinical testing. Allele origin: germline.
Comment: This sequence change replaces glutamic acid, which is acidic and polar, with lysine, which is basic and polar, at codon 1790 of the MYLK protein (p.Glu1790Lys). This variant also falls at the last nucleotide of exon 32, which is part of the consensus splice site for this exon. This variant is present in population databases (rs551204823, gnomAD 0.006%). This variant has not been reported in the literature in individuals affected with MYLK-related conditions. ClinVar contains an entry for this variant (Variation ID: 2067376). An algorithm developed to predict the effect of missense changes on protein structure and function (PolyPhen-2) suggests that this variant is likely to be disruptive. Variants that disrupt the consensus splice site are a relatively common cause of aberrant splicing (PMID: 17576681, 9536098). Algorithms developed to predict the effect of sequence changes on RNA splicing suggest that this variant may disrupt the consensus splice site. In summary, the available evidence is currently insufficient to determine the role of this variant in disease. Therefore, it has been classified as a Variant of Uncertain Significance.

CHEO Genetics Diagnostic Laboratory, Children's Hospital of Eastern Ontario
Classification: Uncertain significance for Familial thoracic aortic aneurysm and aortic dissection. Last evaluated: 2023-02-09. Review status: criteria provided, single submitter. Criteria: ACMG Guidelines, 2015. Collection method: clinical testing. Allele origin: germline.

Literature cited by the submitters: PubMed 17576681 (cited by Labcorp Genetics (formerly Invitae), Labcorp); PubMed 9536098 (cited by Labcorp Genetics (formerly Invitae), Labcorp).